The following is an entry in ClinVar:

NM_002691.4(POLD1):c.1242+1G>A

Gene: POLD1 (DNA polymerase delta 1, catalytic subunit; plus strand). Cytogenetic location: 19q13.33.
Variant type: single nucleotide variant.
Coding change: c.1242+1G>A on transcript NM_002691.4 (MANE Select); the canonical splice donor site of the intron after coding-DNA position 1242, G replaced by A.
Molecular consequence: splice donor variant.
Genome position (GRCh38, 1-based): chr19:50,403,598, G>A. VCF-style: chr19-50403598-G-A. GRCh37 (hg19) VCF-style: chr19-50906855-G-A.
Other names: c.1242+1G>A (NM_001256849.1, NM_001308632.1).
Identifiers: ClinVar variation 1475168 (VCV001475168.8), dbSNP rs2038752240, ClinGen allele CA406978651.

ClinVar aggregate classification (germline): Uncertain significance (1 of 4 stars; one submission).

Conditions:
POLD1-related polyposis and colorectal cancer syndrome (CRCS10). Also called: Colorectal cancer 10; COLORECTAL CANCER, SUSCEPTIBILITY TO, ON CHROMOSOME 19q; Colorectal cancer, susceptibility to, 10. Identifiers: Orphanet 220460, MedGen C2675481, MONDO:0012953, OMIM 612591.

Allele frequency attached by ClinVar (database versions not stated): gnomAD exomes below 0.00001.

Submission:

Labcorp Genetics (formerly Invitae), Labcorp
Classification: Uncertain significance for POLD1-related polyposis and colorectal cancer syndrome. Last evaluated: 2020-10-30. Review status: criteria provided, single submitter. Criteria: Invitae Variant Classification Sherloc (09022015). Collection method: clinical testing. Allele origin: germline.
Comment: This sequence change affects a donor splice site in intron 10 of the POLD1 gene. It is expected to disrupt RNA splicing. Missense variants that disrupt the 3'-5' exonuclease (proof-reading) activity of the POLD1 protein, are associated with an increased risk for colonic adenomatous polyps and colon cancer (PMID: 23263490, 23447401). However loss-of-function variants, which result in an absent or severely disrupted POLD1 protein, and missense variants outside the exonuclease domain, are unlikely to be associated with polyposis or colon cancer. Without further clinical and genetic evidence, this variant has been classified as a Variant of Uncertain Significance. Algorithms developed to predict the effect of sequence changes on RNA splicing suggest that this variant may disrupt the consensus splice site, but this prediction has not been confirmed by published transcriptional studies. This variant has not been reported in the literature in individuals with POLD1-related conditions. This variant is not present in population databases (ExAC no frequency).

Literature cited by the submitters: PubMed 23263490; PubMed 23447401.